The following is an entry in ClinVar:

NM_001002294.3(FMO3):c.394G>C (p.Asp132His)

Genes: FMO3 (flavin containing dimethylaniline monoxygenase 3; plus strand), LOC126805916 (BRD4-independent group 4 enhancer GRCh37_chr1:171076844-171078043; plus strand). Cytogenetic location: 1q24.3.
Variant type: single nucleotide variant.
Coding change: c.394G>C on transcript NM_001002294.3 (MANE Select); coding-DNA position 394, G replaced by C.
Protein change: p.Asp132His; replaces aspartic acid 132 with histidine.
Molecular consequence: missense variant.
Genome position (GRCh38, 1-based): chr1:171,107,747, G>C. VCF-style: chr1-171107747-G-C. GRCh37 (hg19) VCF-style: chr1-171076888-G-C.
Other names: c.334G>C, p.Asp112His (NM_001319173.2); c.205G>C, p.Asp69His (NM_001319174.2); c.394G>C, p.Asp132His (NM_006894.6); short protein forms D132H, D69H, D112H.
Identifiers: ClinVar variation 260072 (VCV000260072.14), dbSNP rs12072582, ClinGen allele CA1240526.

ClinVar aggregate classification (germline): Benign. Review status: criteria provided, multiple submitters, no conflicts (2 of 4 stars). 4 submissions from 4 submitters: Benign (4). Last evaluated 2026-01-31.

Conditions:
Trimethylaminuria (TMAU). Also called: Primary Trimethylaminuria; FISH-ODOR SYNDROME; Fish malodor syndrome; Stale fish syndrome; TMAuria. Identifiers: MedGen C0342739, MONDO:0011182, OMIM 602079, HP:0003614. Disease mechanism: loss of function.

Allele frequency attached by ClinVar (database versions not stated): ESP Exome Variant Server 0.01361; 1000 Genomes Project 0.01458; 1000 Genomes Project 30x 0.01655; gnomAD 0.01253 and 0.01358; TOPMed 0.01344.

Submissions (4):

Labcorp Genetics (formerly Invitae), Labcorp
Classification: Benign. Last evaluated: 2026-01-31. Review status: criteria provided, single submitter. Criteria: Invitae Variant Classification Sherloc (09022015). Collection method: clinical testing. Allele origin: germline.

Illumina Laboratory Services, Illumina
Classification: Benign for Trimethylaminuria. Last evaluated: 2017-10-12. Review status: criteria provided, single submitter. Criteria: ICSL Variant Classification Criteria 13 December 2019. Collection method: clinical testing. Allele origin: germline.
Comment: This variant was observed as part of a predisposition screen in an ostensibly healthy population. A literature search was performed for the gene, cDNA change, and amino acid change (where applicable). Publications were found based on this search. The evidence from the literature, in combination with allele frequency data from public databases where available, was sufficient to rule this variant out of causing disease. Therefore, this variant is classified as benign.

Breakthrough Genomics
Classification: Benign. Review status: criteria provided, single submitter. Criteria: ACMG Guidelines, 2015. Collection method: not provided. Allele origin: germline. Inheritance: Autosomal recessive inheritance. Affected: yes.

PreventionGenetics, part of Exact Sciences
Classification: Benign. Review status: criteria provided, single submitter. Criteria: ACMG Guidelines, 2015. Collection method: clinical testing. Allele origin: germline.

Literature cited by the submitters: PubMed 12678693 (cited by Illumina Laboratory Services, Illumina); PubMed 12527699 (cited by Illumina Laboratory Services, Illumina).